The following is an entry in ClinVar:

ClinVar aggregate classification (germline): Likely benign. Review status: criteria provided, multiple submitters, no conflicts (2 of 4 stars). 3 submissions from 3 submitters: Likely benign (3). Last evaluated 2024-05-15.

Conditions:
Cardiovascular phenotype. Identifiers: MedGen CN230736.
Lethal congenital glycogen storage disease of heart. Also called: GLYCOGEN STORAGE DISEASE OF HEART; PHOSPHORYLASE KINASE DEFICIENCY OF HEART. Identifiers: Orphanet 439854, MedGen C1849813, MONDO:0009867, OMIM 261740.

Allele frequency attached by ClinVar (database versions not stated): gnomAD exomes below 0.00001; gnomAD 0.00001; TOPMed 0.00001.
gnomAD v4.1: 2 of 1,613,996 alleles (0.00012%); highest among the groups gnomAD compares: African/African-American, 0.0013%; no homozygotes.

Submissions (3):

Labcorp Genetics (formerly Invitae), Labcorp
Classification: Likely benign for Lethal congenital glycogen storage disease of heart. Last evaluated: 2024-05-15. Review status: criteria provided, single submitter. Criteria: Invitae Variant Classification Sherloc (09022015). Collection method: clinical testing. Allele origin: germline.

Ambry Genetics
Classification: Likely benign for Cardiovascular phenotype. Last evaluated: 2022-04-08. Review status: criteria provided, single submitter. Criteria: Ambry Variant Classification Scheme 2023. Collection method: clinical testing. Allele origin: germline.

Laboratory for Molecular Medicine, Mass General Brigham Personalized Medicine
Classification: Likely benign. Last evaluated: 2012-08-22. Review status: criteria provided, single submitter. Criteria: LMM Criteria. Collection method: clinical testing. Allele origin: germline. Observed: 1 variant allele.
Comment: Asn480Asn in exon 14 of PRKAG2: This variant is not expected to have clinical si gnificance because it does not alter an amino acid and is not located within the splice consensus sequence. Asn480Asn in exon 14 of PRKAG2 (allele frequency = n/a)

NM_016203.4(PRKAG2):c.1440T>C (p.Asn480=)

Gene: PRKAG2 (protein kinase AMP-activated non-catalytic subunit gamma 2; minus strand). Cytogenetic location: 7q36.1.
Variant type: single nucleotide variant.
Coding change: c.1440T>C on transcript NM_016203.4 (MANE Select); coding-DNA position 1440, T replaced by C.
Protein change: p.Asn480=; no amino-acid change (asparagine 480 retained).
Molecular consequence: synonymous variant.
Genome position (GRCh38, 1-based): chr7:151,564,222, A>G on the plus strand (T>C on the coding strand, the complement: PRKAG2 is on the minus strand). VCF-style: chr7-151564222-A-G. GRCh37 (hg19) VCF-style: chr7-151261308-A-G.
Other names: c.1308T>C, p.Asn436= (NM_001040633.2); c.1065T>C, p.Asn355= (NM_001304527.2); c.717T>C, p.Asn239= (NM_001304531.2, NM_024429.2); c.1068T>C, p.Asn356= (NM_001363698.2).
Identifiers: ClinVar variation 45698 (VCV000045698.11), dbSNP rs397517265, ClinGen allele CA013777.